The following is an entry in ClinVar:

ClinVar aggregate classification (germline): Benign. Review status: criteria provided, multiple submitters, no conflicts (2 of 4 stars). 3 submissions from 3 submitters: Benign (3). Last evaluated 2026-02-01.

Conditions:
Hyperphosphatasemia with bone disease (PDB5). Also called: HYPEROSTOSIS CORTICALIS DEFORMANS JUVENILIS; HYPERPHOSPHATASEMIA, CHRONIC CONGENITAL IDIOPATHIC; HYPERPHOSPHATASIA, FAMILIAL IDIOPATHIC; PAGET DISEASE OF BONE 5, JUVENILE-ONSET; Paget disease of bone 5; Osteoectasia familial. Identifiers: Orphanet 2801, MedGen C0268414, MONDO:0009394, OMIM 239000.

Allele frequency attached by ClinVar (database versions not stated): gnomAD 0.08231 and 0.08839; 1000 Genomes Project 0.08806; ESP Exome Variant Server 0.09050; TOPMed 0.09323; 1000 Genomes Project 30x 0.09432.
gnomAD v4.1: 24,928 of 1,614,076 alleles (1.5%); highest among the groups gnomAD compares: African/African-American, 28%; 3,219 homozygotes.

Submissions (3):

Labcorp Genetics (formerly Invitae), Labcorp
Classification: Benign. Last evaluated: 2026-02-01. Review status: criteria provided, single submitter. Criteria: Invitae Variant Classification Sherloc (09022015). Collection method: clinical testing. Allele origin: germline.

Illumina Laboratory Services, Illumina
Classification: Benign for Hyperphosphatasemia with bone disease. Last evaluated: 2018-01-13. Review status: criteria provided, single submitter. Criteria: ICSL Variant Classification Criteria 13 December 2019. Collection method: clinical testing. Allele origin: germline.
Comment: This variant was observed in the ICSL laboratory as part of a predisposition screen in an ostensibly healthy population. It had not been previously curated by ICSL or reported in the Human Gene Mutation Database (HGMD: prior to June 1st, 2018), and was therefore a candidate for classification through an automated scoring system. Utilizing variant allele frequency, disease prevalence and penetrance estimates, and inheritance mode, an automated score was calculated to assess if this variant is too frequent to cause the disease. Based on the score and internal cut-off values, a variant classified as benign is not then subjected to further curation. The score for this variant resulted in a classification of benign for this disease.

Breakthrough Genomics
Classification: Benign. Review status: criteria provided, single submitter. Criteria: ACMG Guidelines, 2015. Collection method: not provided. Allele origin: germline. Inheritance: Autosomal recessive inheritance. Affected: yes.

NM_002546.4(TNFRSF11B):c.1150T>C (p.Leu384=)

Gene: TNFRSF11B (TNF receptor superfamily member 11b; minus strand). Cytogenetic location: 8q24.12.
Variant type: single nucleotide variant.
Coding change: c.1150T>C on transcript NM_002546.4 (MANE Select); coding-DNA position 1150, T replaced by C.
Protein change: p.Leu384=; no amino-acid change (leucine 384 retained).
Molecular consequence: synonymous variant.
Genome position (GRCh38, 1-based): chr8:118,924,430, A>G on the plus strand (T>C on the coding strand, the complement: TNFRSF11B is on the minus strand). VCF-style: chr8-118924430-A-G. GRCh37 (hg19) VCF-style: chr8-119936669-A-G.
Identifiers: ClinVar variation 361688 (VCV000361688.13), dbSNP rs1804854, ClinGen allele CA4854757.